The following is an entry in ClinVar:

NM_002485.5(NBN):c.1642_1661del (p.Ser547_Asn548insTer)

Gene: NBN (nibrin; minus strand). Cytogenetic location: 8q21.3.
Variant type: Deletion.
Coding change: c.1642_1661del on transcript NM_002485.5 (MANE Select); coding-DNA positions 1642 to 1661, 20 bases deleted (AATAAAAAAAGGGAAATGGA).
Protein change: p.Ser547_Asn548insTer.
Molecular consequence: nonsense.
Genome position (GRCh38, 1-based): chr8:89,953,428-89,953,447, TCCATTTCCCTTTTTTTATT deleted on the plus strand (AATAAAAAAAGGGAAATGGA on the coding strand, the reverse complement: NBN is on the minus strand); deleting any 20 consecutive bases within chr8:89,953,428-89,953,448 gives the same sequence; the c. name uses the placement nearest the transcript's 3' end. VCF-style (leftmost placement, unchanged base first): chr8-89953427-ATCCATTTCCCTTTTTTTATT-A. GRCh37 (hg19) VCF-style: chr8-90965655-ATCCATTTCCCTTTTTTTATT-A.
Other names: c.1396_1415del, p.Ser465_Asn466insTer (NM_001024688.3).
Identifiers: ClinVar variation 1451587 (VCV001451587.6), dbSNP rs2129699105, ClinGen allele CA2573143364.

ClinVar aggregate classification (germline): Pathogenic (1 of 4 stars; one submission).

Conditions:
Microcephaly, normal intelligence and immunodeficiency (NBS). Also called: BERLIN BREAKAGE SYNDROME; IMMUNODEFICIENCY, MICROCEPHALY, AND CHROMOSOMAL INSTABILITY; SEEMANOVA SYNDROME II; Immunodeficiency, microcephaly with normal intelligence; Nijmegen breakage syndrome; Microcephaly with normal intelligence immunodeficiency and lymphoreticular malignancies. Identifiers: Orphanet 647, MedGen C0398791, MONDO:0009623, OMIM 251260.

Submission:

Labcorp Genetics (formerly Invitae), Labcorp
Classification: Pathogenic for Microcephaly, normal intelligence and immunodeficiency. Last evaluated: 2021-10-25. Review status: criteria provided, single submitter. Criteria: Invitae Variant Classification Sherloc (09022015). Collection method: clinical testing. Allele origin: germline.
Comment: This variant is not present in population databases (gnomAD no frequency). This sequence change creates a premature translational stop signal (p.Asn548*) in the NBN gene. It is expected to result in an absent or disrupted protein product. Loss-of-function variants in NBN are known to be pathogenic (PMID: 9590180, 16415040). This variant has not been reported in the literature in individuals affected with NBN-related conditions. For these reasons, this variant has been classified as Pathogenic.

Literature cited by the submitters: PubMed 9590180; PubMed 16415040.